The following is an entry in ClinVar:

NM_003477.3(PDHX):c.1119A>G (p.Leu373=)

Gene: PDHX (pyruvate dehydrogenase complex component X; plus strand). Cytogenetic location: 11p13.
Variant type: single nucleotide variant.
Coding change: c.1119A>G on transcript NM_003477.3 (MANE Select); coding-DNA position 1119, A replaced by G.
Protein change: p.Leu373=; no amino-acid change (leucine 373 retained).
Molecular consequence: synonymous variant.
Genome position (GRCh38, 1-based): chr11:34,984,665, A>G. VCF-style: chr11-34984665-A-G. GRCh37 (hg19) VCF-style: chr11-35006212-A-G.
Other names: c.939A>G, p.Leu313= (NM_001135024.2); c.438A>G, p.Leu146= (NM_001166158.2).
Identifiers: ClinVar variation 4085125 (VCV004085125.8).

ClinVar aggregate classification (germline): Likely benign (1 of 4 stars; one submission).

gnomAD v4.1: 1 of 1,614,074 alleles (0.000062%); highest among the groups gnomAD compares: Non-Finnish European, 0.000085%; no homozygotes.

Submission:

CeGaT Center for Human Genetics Tuebingen
Classification: Likely benign. Last evaluated: 2025-06-01. Review status: criteria provided, single submitter. Criteria: CeGaT Center For Human Genetics Tuebingen Variant Classification Criteria Version 2. Collection method: clinical testing. Allele origin: germline. Affected: yes. Observed: 1 variant allele.
Comment: PDHX: BP4, BP7